The following is an entry in ClinVar:

NM_001322934.2(NFKB2):c.1805A>G (p.Tyr602Cys)

Gene: NFKB2 (nuclear factor kappa B subunit 2; plus strand). Cytogenetic location: 10q24.32.
Variant type: single nucleotide variant.
Coding change: c.1805A>G on transcript NM_001322934.2 (MANE Select); coding-DNA position 1805, A replaced by G.
Protein change: p.Tyr602Cys; replaces tyrosine 602 with cysteine.
Molecular consequence: missense variant.
Genome position (GRCh38, 1-based): chr10:102,400,661, A>G. VCF-style: chr10-102400661-A-G. GRCh37 (hg19) VCF-style: chr10-104160418-A-G.
Other names: c.1805A>G, p.Tyr602Cys (NM_001077494.3, NM_001261403.3, NM_001288724.1 and 1 more transcripts); c.1679A>G, p.Tyr560Cys (NM_001322935.1); short protein forms Y560C, Y602C.
Identifiers: ClinVar variation 3621947 (VCV003621947.2).

ClinVar aggregate classification (germline): Uncertain significance (1 of 4 stars; one submission).

Conditions:
Immunodeficiency, common variable, 10. Also called: IMMUNODEFICIENCY, COMMON VARIABLE, WITH CENTRAL ADRENAL INSUFFICIENCY; DEFICIT IN ANTERIOR PITUITARY FUNCTION AND VARIABLE IMMUNODEFICIENCY. Identifiers: MedGen C3809991, MONDO:0014260, OMIM 615577.

gnomAD v4.1: 4 of 1,613,936 alleles (0.00025%); highest among the groups gnomAD compares: South Asian, 0.0033%; no homozygotes.

Submission:

Labcorp Genetics (formerly Invitae), Labcorp
Classification: Uncertain significance for Immunodeficiency, common variable, 10. Last evaluated: 2024-05-28. Review status: criteria provided, single submitter. Criteria: Invitae Variant Classification Sherloc (09022015). Collection method: clinical testing. Allele origin: germline.
Comment: This sequence change replaces tyrosine, which is neutral and polar, with cysteine, which is neutral and slightly polar, at codon 602 of the NFKB2 protein (p.Tyr602Cys). This variant is not present in population databases (gnomAD no frequency). This variant has not been reported in the literature in individuals affected with NFKB2-related conditions. An algorithm developed to predict the effect of missense changes on protein structure and function (PolyPhen-2) suggests that this variant is likely to be disruptive. In summary, the available evidence is currently insufficient to determine the role of this variant in disease. Therefore, it has been classified as a Variant of Uncertain Significance.